The following is an entry in ClinVar:

NM_014415.4(ZBTB11):c.966C>T (p.Gly322=)

Gene: ZBTB11 (zinc finger and BTB domain containing 11; minus strand). Cytogenetic location: 3q12.3.
Variant type: single nucleotide variant.
Coding change: c.966C>T on transcript NM_014415.4 (MANE Select); coding-DNA position 966, C replaced by T.
Protein change: p.Gly322=; no amino-acid change (glycine 322 retained).
Molecular consequence: synonymous variant.
Genome position (GRCh38, 1-based): chr3:101,665,621, G>A on the plus strand (C>T on the coding strand, the complement: ZBTB11 is on the minus strand). VCF-style: chr3-101665621-G-A. GRCh37 (hg19) VCF-style: chr3-101384465-G-A.
Identifiers: ClinVar variation 3771254 (VCV003771254.13).

ClinVar aggregate classification (germline): Likely benign (1 of 4 stars; one submission).

gnomAD v4.1: 29 of 1,614,026 alleles (0.0018%); highest among the groups gnomAD compares: South Asian, 0.0066%; no homozygotes.

Submission:

CeGaT Center for Human Genetics Tuebingen
Classification: Likely benign. Last evaluated: 2024-12-01. Review status: criteria provided, single submitter. Criteria: CeGaT Center For Human Genetics Tuebingen Variant Classification Criteria Version 2. Collection method: clinical testing. Allele origin: germline. Affected: yes. Observed: 1 variant allele.
Comment: ZBTB11: BP4, BP7